The following is an entry in ClinVar:

NM_024642.5(GALNT12):c.489C>A (p.Ser163=)

Gene: GALNT12 (polypeptide N-acetylgalactosaminyltransferase 12; plus strand). Cytogenetic location: 9q22.33.
Variant type: single nucleotide variant.
Coding change: c.489C>A on transcript NM_024642.5 (MANE Select); coding-DNA position 489, C replaced by A.
Protein change: p.Ser163=; no amino-acid change (serine 163 retained).
Molecular consequence: synonymous variant.
Genome position (GRCh38, 1-based): chr9:98,823,373, C>A. VCF-style: chr9-98823373-C-A. GRCh37 (hg19) VCF-style: chr9-101585655-C-A.
Identifiers: ClinVar variation 1743898 (VCV001743898.3), dbSNP rs1212232987, ClinGen allele CA466423596.

ClinVar aggregate classification (germline): Benign/Likely benign. Review status: criteria provided, multiple submitters, no conflicts (2 of 4 stars). 2 submissions from 2 submitters: Benign (1); Likely benign (1). Last evaluated 2026-04-23.

Conditions:
Colorectal cancer, susceptibility to, 1. Also called: COLORECTAL ADENOMA AND CANCER, SUSCEPTIBILITY TO; COLORECTAL CANCER, SUSCEPTIBILITY TO, ON CHROMOSOME 9. Identifiers: MedGen C1837315, MONDO:0012132, OMIM 608812.

Submissions (2):

Myriad Genetics, Inc.
Classification: Benign for Colorectal cancer, susceptibility to, 1. Last evaluated: 2026-04-23. Review status: criteria provided, single submitter. Criteria: Myriad Autosomal Dominant, Autosomal Recessive and X-Linked Classification Criteria (2023). Collection method: clinical testing. Allele origin: unknown.
Comment: This variant is considered benign. This variant is a silent/synonymous amino acid change and it is not expected to impact splicing.

Ambry Genetics
Classification: Likely benign. Last evaluated: 2022-01-10. Review status: criteria provided, single submitter. Criteria: Ambry Variant Classification Scheme 2023. Collection method: clinical testing. Allele origin: germline.